The following is an entry in ClinVar:

NM_000059.4(BRCA2):c.5536A>G (p.Ile1846Val)

Gene: BRCA2 (BRCA2 DNA repair associated; plus strand). Cytogenetic location: 13q13.1.
Variant type: single nucleotide variant.
Coding change: c.5536A>G on transcript NM_000059.4 (MANE Select); coding-DNA position 5536, A replaced by G.
Protein change: p.Ile1846Val; replaces isoleucine 1846 with valine.
Molecular consequence: missense variant.
Genome position (GRCh38, 1-based): chr13:32,339,891, A>G. VCF-style: chr13-32339891-A-G. GRCh37 (hg19) VCF-style: chr13-32914028-A-G.
Other names: NP_000050.3:p.Ile1846Val; 5764A>G; short protein forms I1846V.
Identifiers: ClinVar variation 142313 (VCV000142313.46), dbSNP rs587782375, ClinGen allele CA022506.

ClinVar aggregate classification (germline): Conflicting classifications of pathogenicity. Review status: criteria provided, conflicting classifications (1 of 4 stars). 14 submissions from 14 submitters: Uncertain significance (4); Benign (1); Likely benign (8). 1 of the submissions does not count toward it. Last evaluated 2026-08-11.

Conditions:
BRCA2-related disorder. Also called: BRCA2-related condition; BRCA2-related disorders. Identifiers: MedGen CN239275.
Familial pancreatic carcinoma. Identifiers: Orphanet 1333, MedGen C2931038, MONDO:0015278, OMIM 260350.
Hereditary cancer-predisposing syndrome. Also called: Tumor predisposition; Neoplastic Syndromes, Hereditary; Hereditary neoplastic syndrome; Hereditary Cancer Syndrome. Identifiers: Orphanet 140162, MedGen C0027672, MeSH D009386, MONDO:0015356.
Hereditary breast ovarian cancer syndrome. Also called: Hereditary breast and ovarian cancer syndrome; Hereditary breast and ovarian cancer; Hereditary breast and ovarian cancer syndrome (HBOC); Hereditary breast and/or ovarian cancer syndrome; BRCA1- and BRCA2-Associated Hereditary Breast and Ovarian Cancer; Breast and ovarian cancer. Identifiers: Orphanet 145, MedGen C0677776, MeSH D061325, MONDO:0003582. Disease mechanism: loss of function.
Breast-ovarian cancer, familial, susceptibility to, 2 (BROVCA2). Also called: BRCA2 Hereditary Breast and Ovarian Cancer. Identifiers: Orphanet 145, MedGen C2675520, MONDO:0012933, OMIM 612555. Disease mechanism: loss of function.

Allele frequency attached by ClinVar (database versions not stated): gnomAD 0.00001; TOPMed 0.00001; gnomAD exomes 0.00005 and 0.00010; ExAC 0.00012.
gnomAD v4.1: 73 of 1,610,620 alleles (0.0045%); highest among the groups gnomAD compares: South Asian, 0.074%; no homozygotes.

Submissions (14):

PreventionGenetics, part of Exact Sciences
Classification: Likely benign for BRCA2-related condition. Last evaluated: 2026-08-11. Review status: criteria provided, single submitter. Criteria: ACMG Guidelines, 2015. Collection method: clinical testing. Allele origin: germline.
Comment: This variant is classified as likely benign based on ACMG/AMP sequence variant interpretation guidelines (Richards et al. 2015 PMID: 25741868, with internal and published modifications).

Labcorp Genetics (formerly Invitae), Labcorp
Classification: Likely benign for Hereditary breast ovarian cancer syndrome. Last evaluated: 2026-01-10. Review status: criteria provided, single submitter. Criteria: Invitae Variant Classification Sherloc (09022015). Collection method: clinical testing. Allele origin: germline.

Department of Pathology and Laboratory Medicine, Sinai Health System
Classification: Benign for Familial pancreatic carcinoma. Last evaluated: 2024-10-21. Review status: criteria provided, single submitter. Criteria: ACMG Guidelines, 2015. Collection method: clinical testing. Allele origin: germline. Affected: yes.

All of Us Research Program, National Institutes of Health
Classification: Likely benign for Breast-ovarian cancer, familial, susceptibility to, 2. Last evaluated: 2023-12-01. Review status: criteria provided, single submitter. Criteria: ACMG Guidelines, 2015. Collection method: clinical testing. Allele origin: germline. Inheritance: Autosomal dominant inheritance. Observed: 1 variant allele, 1 heterozygote.
Comment: This study involves interpretation of variants in research participants for the purpose of population health screening. Participant phenotype was not available at the time of variant classification. Additional details can be found in publication PMID: 35346344, PMCID: PMC8962531

Women's Health and Genetics/Laboratory Corporation of America, LabCorp
Classification: Uncertain significance. Last evaluated: 2023-11-30. Review status: criteria provided, single submitter. Criteria: LabCorp Variant Classification Summary - May 2015. Collection method: clinical testing. Allele origin: germline.
Comment: Variant summary: BRCA2 c.5536A>G (p.Ile1846Val) results in a conservative amino acid change located in the BRCA2 repeat (IPR002093) of the encoded protein sequence. Four of five in-silico tools predict a benign effect of the variant on protein function. The variant allele was found at a frequency of 0.0001 in 249286 control chromosomes, predominantly at a frequency of 0.00086 within the South Asian subpopulation in the gnomAD database. The observed variant frequency within South Asian control individuals in the gnomAD database is approximately 1.15 fold of the estimated maximal expected allele frequency for a pathogenic variant in BRCA2 causing Hereditary Breast And Ovarian Cancer Syndrome phenotype (0.00075), suggesting that the variant is a benign polymorphism found primarily in populations of South Asian origin. c.5536A>G has been reported in the literature in individuals affected with Breast/Ovarian Cancer often reported as a VUS (e.g. Mannan_2016, Singh_2018, Dorling_2021) and in Pancreatic Cancer (e.g. Shindo_2017). These report(s) do not provide unequivocal conclusions about association of the variant with Hereditary Breast And Ovarian Cancer Syndrome. To our knowledge, no experimental evidence demonstrating an impact on protein function has been reported. The following publications have been ascertained in the context of this evaluation (PMID: 26911350, 28767289, 29470806, 33471991). Nine submitters have cited clinical-significance assessments for this variant to ClinVar after 2014, classifying the variant as likely benign (n=5) or uncertain significance (n=4). Based on the evidence outlined above, the variant was classified as uncertain significance.

University of Washington Department of Laboratory Medicine, University of Washington
Classification: Likely benign for Hereditary cancer-predisposing syndrome. Last evaluated: 2023-03-23. Review status: criteria provided, single submitter. Criteria: Dines et al. (Genet Med. 2020). Collection method: curation. Allele origin: germline.
Comment: Missense variant in a coldspot region where missense variants are very unlikely to be pathogenic (PMID:31911673).

BRCA2 exon 11 coldspot. Reclassification based on statistical prior probability.

Sema4
Classification: Uncertain significance for Hereditary cancer-predisposing syndrome. Last evaluated: 2021-12-28. Review status: criteria provided, single submitter. Criteria: Sema4 Curation Guidelines. Collection method: curation. Allele origin: germline.
Comment: The BRCA2 c.5536A>G (p.I1846V) variant has been reported in heterozygosity in at least 1 individual with breast and/or ovarian cancer (PMID: 29470806, 26911350) and in 1 individual with apparently sporadic pancreatic adenocarcinoma (PMID: 28767289). It has been reported in 4 cases and not in controls in a large dataset of 60,466 women with breast cancer and 53,461 controls (PMID: 33471991). It was observed in 26/30060 chromosomes of the South Asian subpopulation, with no homozygotes, in the large and broad cohorts of the Genome Aggregation Database (PMID: 32461654). This variant has been reported in ClinVar (Variation ID: 142313). Functional studies have not been performed, and in silico predictions of the variant's effect on protein function are inconclusive. The overall evidence is inconsistent with ACMG/AMP requirements for a classification of benign or pathogenic. In summary, the clinical significance of this variant is currently uncertain.

National Health Laboratory Service, Universitas Academic Hospital and University of the Free State
Classification: Likely benign for Hereditary breast ovarian cancer syndrome. Last evaluated: 2021-11-16. Review status: criteria provided, single submitter. Criteria: ACMG Guidelines, 2015. Collection method: clinical testing. Allele origin: germline. Affected: yes. Observed: 1 variant allele.

Ambry Genetics
Classification: Likely benign for Hereditary cancer-predisposing syndrome. Last evaluated: 2021-11-02. Review status: criteria provided, single submitter. Criteria: Ambry Variant Classification Scheme 2023. Collection method: clinical testing. Allele origin: germline.

Color Diagnostics, LLC DBA Color Health
Classification: Likely benign for Hereditary cancer-predisposing syndrome. Last evaluated: 2021-09-22. Review status: criteria provided, single submitter. Criteria: ACMG Guidelines, 2015. Collection method: clinical testing. Allele origin: germline.

GeneDx
Classification: Likely benign. Last evaluated: 2019-12-18. Review status: criteria provided, single submitter. Criteria: GeneDx Variant Classification Process June 2021. Collection method: clinical testing. Allele origin: germline. Affected: yes.
Comment: This variant is associated with the following publications: (PMID: 29470806, 28767289, 26911350)

Quest Diagnostics Nichols Institute San Juan Capistrano
Classification: Uncertain significance. Last evaluated: 2017-05-30. Review status: criteria provided, single submitter. Criteria: Quest Diagnostics criteria. Collection method: clinical testing. Allele origin: germline.

Molecular Genetics Laboratory, University of Michigan
Classification: Uncertain significance for Breast-ovarian cancer, familial, susceptibility to, 2. Last evaluated: 2016-04-21. Review status: criteria provided, single submitter. Criteria: ACMG Guidelines, 2015. Collection method: clinical testing. Allele origin: germline. Affected: yes.

Sharing Clinical Reports Project (SCRP)
Classification: Uncertain significance for Breast-ovarian cancer, familial 2. Last evaluated: 2010-06-02. Review status: no assertion criteria provided. Collection method: clinical testing. Allele origin: germline. Not counted in ClinVar's aggregate classification.

Literature cited by the submitters: PubMed 26911350 (cited by 4 submitters); PubMed 28767289 (cited by 4 submitters); PubMed 29470806 (cited by 4 submitters); PubMed 33471991 (cited by 3 submitters); DOI 10.3389/fgene.2022.834265 (cited by National Health Laboratory Service, Universitas Academic Hospital and University of the Free State).